The following is an entry in ClinVar:

NM_000330.4(RS1):c.545G>C (p.Arg182Pro)

Genes: CDKL5 (cyclin dependent kinase like 5; plus strand), RS1 (retinoschisin 1; minus strand). Cytogenetic location: Xp22.13.
Variant type: single nucleotide variant.
Coding change: c.545G>C on transcript NM_000330.4 (MANE Select); coding-DNA position 545, G replaced by C.
Protein change: p.Arg182Pro; replaces arginine 182 with proline.
Molecular consequence: missense variant. On other transcripts: intron variant (2).
Genome position (GRCh38, 1-based): chrX:18,642,134, C>G on the plus strand (G>C on the coding strand, the complement: RS1 is on the minus strand). VCF-style: chrX-18642134-C-G. GRCh37 (hg19) VCF-style: chrX-18660254-C-G.
Other names: c.2714-3873C>G (NM_003159.3, NM_001037343.2); short protein forms R182P.
Identifiers: ClinVar variation 2173339 (VCV002173339.3), dbSNP rs2518916683, ClinGen allele CA412370533.

ClinVar aggregate classification (germline): Likely pathogenic (1 of 4 stars; one submission).

Submission:

Labcorp Genetics (formerly Invitae), Labcorp
Classification: Likely pathogenic. Last evaluated: 2022-05-04. Review status: criteria provided, single submitter. Criteria: Invitae Variant Classification Sherloc (09022015). Collection method: clinical testing. Allele origin: germline.
Comment: This sequence change replaces arginine, which is basic and polar, with proline, which is neutral and non-polar, at codon 182 of the RS1 protein (p.Arg182Pro). This variant is not present in population databases (gnomAD no frequency). This variant has not been reported in the literature in individuals affected with RS1-related conditions. Advanced modeling of protein sequence and biophysical properties (such as structural, functional, and spatial information, amino acid conservation, physicochemical variation, residue mobility, and thermodynamic stability) performed at Invitae indicates that this missense variant is expected to disrupt RS1 protein function. This variant disrupts the p.Arg182 amino acid residue in RS1. Other variant(s) that disrupt this residue have been determined to be pathogenic (PMID: 9618178, 30652005). This suggests that this residue is clinically significant, and that variants that disrupt this residue are likely to be disease-causing. In summary, the currently available evidence indicates that the variant is pathogenic, but additional data are needed to prove that conclusively. Therefore, this variant has been classified as Likely Pathogenic.

Literature cited by the submitters: PubMed 9618178; PubMed 30652005.